The following is an entry in ClinVar:

ClinVar aggregate classification (germline): Likely benign. Review status: criteria provided, single submitter (1 of 4 stars). 2 submissions from 2 submitters: Likely benign (1). 1 of the submissions does not count toward it. Last evaluated 2024-09-09.

Conditions:
FAM136A-related disorder. Also called: FAM136A-related condition.

Allele frequency attached by ClinVar (database versions not stated): gnomAD 0.00002; TOPMed 0.00006; ExAC 0.00007; gnomAD exomes 0.00008.
gnomAD v4.1: 119 of 1,613,922 alleles (0.0074%); highest among the groups gnomAD compares: Middle Eastern, 0.082%; no homozygotes.

Submissions (2):

Blueprint Genetics
Classification: Likely benign. Last evaluated: 2024-09-09. Review status: criteria provided, single submitter. Criteria: ACMG Guidelines, 2015. Collection method: clinical testing. Allele origin: germline.

PreventionGenetics, part of Exact Sciences
Classification: Likely benign for FAM136A-related condition. Last evaluated: 2019-07-30. Review status: no assertion criteria provided. Collection method: clinical testing. Allele origin: germline. Not counted in ClinVar's aggregate classification.
Comment: This variant is classified as likely benign based on ACMG/AMP sequence variant interpretation guidelines (Richards et al. 2015 PMID: 25741868, with internal and published modifications).

NM_001329752.2(TIMCC):c.654G>A (p.Val218=)

Gene: TIMCC (TIM double twin CX3C motif chaperone; minus strand). Cytogenetic location: 2p13.3.
Variant type: single nucleotide variant.
Coding change: c.654G>A on transcript NM_001329752.2 (MANE Select); coding-DNA position 654, G replaced by A.
Protein change: p.Val218=; no amino-acid change (valine 218 retained).
Molecular consequence: synonymous variant.
Genome position (GRCh38, 1-based): chr2:70,297,373, C>T on the plus strand (G>A on the coding strand, the complement: TIMCC is on the minus strand). VCF-style: chr2-70297373-C-T. GRCh37 (hg19) VCF-style: chr2-70524505-C-T.
Other names: c.588G>A, p.Val196= (NM_001329753.2); c.240G>A, p.Val80= (NM_001329755.2, NM_001329757.2, NM_001329758.2); c.333G>A, p.Val111= (NM_032822.3).
Identifiers: ClinVar variation 3034539 (VCV003034539.3), dbSNP rs753344193, ClinGen allele CA1698433.
Genomic context (GRCh38, chr2:70,297,373, plus strand): 5'-CTCCTTCATCTTCTTGGTCATAGTTGGGATGAGGTGCATGTGGTCATCCACACACTTGGT[C>T]ACACAACTGTCCAGCTGCTGCTTCACCTGAAGCTCCTTACTCCCAGCATCTATTGAATCT-3'
Protein context (NP_001316681.1, residues 208-228): LQVKQQLDSC[Val218=]TKCVDDHMHL